The following is an entry in ClinVar:

ClinVar aggregate classification (germline): Uncertain significance. Review status: criteria provided, multiple submitters, no conflicts (2 of 4 stars). 4 submissions from 4 submitters: Uncertain significance (4). Last evaluated 2024-08-05.

Conditions:
Osteogenesis imperfecta type 8 (OI8). Identifiers: MedGen C1970458, MONDO:0012581, OMIM 610915.
Inborn genetic diseases. Identifiers: MedGen C0950123, MeSH D030342.

Allele frequency attached by ClinVar (database versions not stated): gnomAD exomes below 0.00001 and 0.00002; TOPMed 0.00001; gnomAD 0.00003.

Submissions (4):

Ambry Genetics
Classification: Uncertain significance for Inborn genetic diseases. Last evaluated: 2024-08-05. Review status: criteria provided, single submitter. Criteria: Ambry Variant Classification Scheme 2023. Collection method: clinical testing. Allele origin: germline.

Genome-Nilou Lab
Classification: Uncertain significance for Osteogenesis imperfecta type 8. Last evaluated: 2023-04-11. Review status: criteria provided, single submitter. Criteria: ACMG Guidelines, 2015. Collection method: clinical testing. Allele origin: germline. Affected: no.

Labcorp Genetics (formerly Invitae), Labcorp
Classification: Uncertain significance for Osteogenesis imperfecta type 8. Last evaluated: 2021-10-22. Review status: criteria provided, single submitter. Criteria: Invitae Variant Classification Sherloc (09022015). Collection method: clinical testing. Allele origin: germline.
Comment: This sequence change replaces alanine with threonine at codon 324 of the P3H1 protein (p.Ala324Thr). The alanine residue is highly conserved and there is a small physicochemical difference between alanine and threonine. This variant is not present in population databases (ExAC no frequency). This variant has not been reported in the literature in individuals affected with P3H1-related conditions. Algorithms developed to predict the effect of missense changes on protein structure and function are either unavailable or do not agree on the potential impact of this missense change (SIFT: "Deleterious"; PolyPhen-2: "Possibly Damaging"; Align-GVGD: "Class C0"). In summary, the available evidence is currently insufficient to determine the role of this variant in disease. Therefore, it has been classified as a Variant of Uncertain Significance.

Illumina Laboratory Services, Illumina
Classification: Uncertain significance for Osteogenesis imperfecta type 8. Last evaluated: 2018-01-12. Review status: criteria provided, single submitter. Criteria: ICSL Variant Classification Criteria 13 December 2019. Collection method: clinical testing. Allele origin: germline.

NM_022356.4(P3H1):c.970G>A (p.Ala324Thr)

Gene: P3H1 (prolyl 3-hydroxylase 1; minus strand). Cytogenetic location: 1p34.2.
Variant type: single nucleotide variant.
Coding change: c.970G>A on transcript NM_022356.4 (MANE Select); coding-DNA position 970, G replaced by A.
Protein change: p.Ala324Thr; replaces alanine 324 with threonine.
Molecular consequence: missense variant.
Genome position (GRCh38, 1-based): chr1:42,757,893, C>T on the plus strand (G>A on the coding strand, the complement: P3H1 is on the minus strand). VCF-style: chr1-42757893-C-T. GRCh37 (hg19) VCF-style: chr1-43223564-C-T.
Other names: c.970G>A, p.Ala324Thr (NM_001146289.2, NM_001243246.2); short protein forms A324T.
Identifiers: ClinVar variation 658659 (VCV000658659.9), dbSNP rs962560071, ClinGen allele CA21244954.
Genomic context (GRCh38, chr1:42,757,893, plus strand): 5'-AATAGGCCAAATTTTGGTTCATCACCTCGTCATTGGGGAAGAAGAGAAGATAGGTCTTGG[C>T]ACATTCAACAGCCTGTGTATAATTCCCAACTGCAAAGTGGAAAGAAGAATGGCTGAGAGG-3'
Protein context (NP_071751.3, residues 314-334): IGNYTQAVEC[Ala324Thr]KTYLLFFPND